The following is an entry in ClinVar:

ClinVar aggregate classification (germline): Benign/Likely benign. Review status: criteria provided, multiple submitters, no conflicts (2 of 4 stars). 2 submissions from 2 submitters: Benign (1); Likely benign (1). Last evaluated 2025-03-03.

Conditions:
Hereditary cancer-predisposing syndrome. Also called: Hereditary Cancer Syndrome; Hereditary neoplastic syndrome; Neoplastic Syndromes, Hereditary; Tumor predisposition. Identifiers: Orphanet 140162, MedGen C0027672, MeSH D009386, MONDO:0015356.
Pheochromocytoma/paraganglioma syndrome 5. Also called: Paragangliomas 5; SDHA-Related Hereditary Paraganglioma-Pheochromocytoma Syndrome. Identifiers: Orphanet 29072, MedGen C3279992, MONDO:0013602, OMIM 614165.

Submissions (2):

Myriad Genetics, Inc.
Classification: Benign for Pheochromocytoma/paraganglioma syndrome 5. Last evaluated: 2025-03-03. Review status: criteria provided, single submitter. Criteria: Myriad Autosomal Dominant, Autosomal Recessive and X-Linked Classification Criteria (2023). Collection method: clinical testing. Allele origin: unknown.
Comment: This variant is considered benign. This variant is a silent/synonymous amino acid change and it is not expected to impact splicing.

Ambry Genetics
Classification: Likely benign for Hereditary cancer-predisposing syndrome. Last evaluated: 2020-06-06. Review status: criteria provided, single submitter. Criteria: Ambry Variant Classification Scheme 2023. Collection method: clinical testing. Allele origin: germline.

NM_004168.4(SDHA):c.601T>C (p.Leu201=)

Gene: SDHA (succinate dehydrogenase complex flavoprotein subunit A; plus strand). Cytogenetic location: 5p15.33.
Variant type: single nucleotide variant.
Coding change: c.601T>C on transcript NM_004168.4 (MANE Select); coding-DNA position 601, T replaced by C.
Protein change: p.Leu201=; no amino-acid change (leucine 201 retained).
Molecular consequence: synonymous variant.
Genome position (GRCh38, 1-based): chr5:226,027, T>C. VCF-style: chr5-226027-T-C. GRCh37 (hg19) VCF-style: chr5-226142-T-C.
Other names: c.457T>C, p.Leu153= (NM_001294332.2); c.601T>C, p.Leu201= (NM_001330758.2).
Identifiers: ClinVar variation 1751129 (VCV001751129.3), dbSNP rs2477301060, ClinGen allele CA442691165.